The following is an entry in ClinVar:

ClinVar aggregate classification (germline): Uncertain significance (1 of 4 stars; one submission).

Conditions:
Mendelian susceptibility to mycobacterial diseases due to complete IL12RB1 deficiency. Also called: IL12RB1 DEFICIENCY; Immunodeficiency 30. Identifiers: Orphanet 319552, MedGen C4013949, MONDO:0013955, OMIM 614891.

Allele frequency attached by ClinVar (database versions not stated): ExAC 0.00002.

Submission:

Labcorp Genetics (formerly Invitae), Labcorp
Classification: Uncertain significance for Mendelian susceptibility to mycobacterial diseases due to complete IL12RB1 deficiency. Last evaluated: 2024-02-17. Review status: criteria provided, single submitter. Criteria: Invitae Variant Classification Sherloc (09022015). Collection method: clinical testing. Allele origin: germline.
Comment: This sequence change replaces threonine, which is neutral and polar, with proline, which is neutral and non-polar, at codon 436 of the IL12RB1 protein (p.Thr436Pro). This variant is present in population databases (rs747676268, gnomAD 0.03%). This variant has not been reported in the literature in individuals affected with IL12RB1-related conditions. ClinVar contains an entry for this variant (Variation ID: 1952850). Advanced modeling of protein sequence and biophysical properties (such as structural, functional, and spatial information, amino acid conservation, physicochemical variation, residue mobility, and thermodynamic stability) performed at Invitae indicates that this missense variant is expected to disrupt IL12RB1 protein function with a positive predictive value of 80%. In summary, the available evidence is currently insufficient to determine the role of this variant in disease. Therefore, it has been classified as a Variant of Uncertain Significance.

NM_005535.3(IL12RB1):c.1306A>C (p.Thr436Pro)

Gene: IL12RB1 (interleukin 12 receptor subunit beta 1; minus strand). Cytogenetic location: 19p13.11.
Variant type: single nucleotide variant.
Coding change: c.1306A>C on transcript NM_005535.3 (MANE Select); coding-DNA position 1306, A replaced by C.
Protein change: p.Thr436Pro; replaces threonine 436 with proline.
Molecular consequence: missense variant.
Genome position (GRCh38, 1-based): chr19:18,068,410, T>G on the plus strand (A>C on the coding strand, the complement: IL12RB1 is on the minus strand). VCF-style: chr19-18068410-T-G. GRCh37 (hg19) VCF-style: chr19-18179220-T-G.
Other names: c.1306A>C, p.Thr436Pro (NM_001290023.2); c.1426A>C, p.Thr476Pro (NM_001290024.2); short protein forms T436P, T476P.
Identifiers: ClinVar variation 1952850 (VCV001952850.5), dbSNP rs747676268, ClinGen allele CA9304892.
Genomic context (GRCh38, chr19:18,068,410, plus strand): 5'-AGAAAAAATAATGTAAACCTGCAGGTTTGGGTCACTTACCATTGCCCCCAAAGTGGTAGG[T>G]GGACAGGACCGTAGACCACAAGGTGAGCTTCTCGGGGTGCGCAGAGGCAAAGATGGTAAT-3'
Protein context (NP_005526.1, residues 426-446): KLTLWSTVLS[Thr436Pro]YHFGGNASAA